The following is an entry in ClinVar:

NM_001161352.2(KCNMA1):c.2693A>G (p.Lys898Arg)

Genes: KCNMA1-AS1 (KCNMA1 antisense RNA 1; plus strand), KCNMA1 (potassium calcium-activated channel subfamily M alpha 1; minus strand). Cytogenetic location: 10q22.3.
Variant type: single nucleotide variant.
Coding change: c.2693A>G on transcript NM_001161352.2 (MANE Select); coding-DNA position 2693, A replaced by G.
Protein change: p.Lys898Arg; replaces lysine 898 with arginine.
Molecular consequence: missense variant.
Genome position (GRCh38, 1-based): chr10:76,949,158, T>C on the plus strand (A>G on the coding strand, the complement: KCNMA1 is on the minus strand). VCF-style: chr10-76949158-T-C. GRCh37 (hg19) VCF-style: chr10-78708916-T-C.
Other names: c.2531A>G, p.Lys844Arg (NM_001014797.3, NM_001322835.2, NM_001322837.2); c.2642A>G, p.Lys881Arg (NM_001161353.2); c.2369A>G, p.Lys790Arg (NM_001271518.2); c.2528A>G, p.Lys843Arg (NM_001271519.2, NM_001322829.2, NM_001322836.2); c.2540A>G, p.Lys847Arg (NM_001322830.2); c.2519A>G, p.Lys840Arg (NM_001322832.2, NM_002247.4); c.2066A>G, p.Lys689Arg (NM_001322838.2); short protein forms K790R, K689R, K840R, K843R, K844R, K847R, K881R, K898R.
Identifiers: ClinVar variation 714367 (VCV000714367.16), dbSNP rs200714367, ClinGen allele CA5568018.

ClinVar aggregate classification (germline): Conflicting classifications of pathogenicity. Review status: criteria provided, conflicting classifications (1 of 4 stars). 2 submissions from 2 submitters: Uncertain significance (1); Likely benign (1). Last evaluated 2025-09-08.

Conditions:
Generalized epilepsy-paroxysmal dyskinesia syndrome (PNKD3). Also called: Generalized epilepsy and paroxysmal dyskinesia; Paroxysmal nonkinesigenic dyskinesia, 3, with or without generalized epilepsy. Identifiers: Orphanet 79137, MedGen C5574945, MONDO:0012276, OMIM 609446.

Allele frequency attached by ClinVar (database versions not stated): gnomAD 0.00003; TOPMed 0.00011; gnomAD exomes 0.00015; 1000 Genomes Project 30x 0.00016.
gnomAD v4.1: 94 of 1,613,456 alleles (0.0058%); highest among the groups gnomAD compares: Admixed American, 0.15%; no homozygotes.

Submissions (2):

GeneDx
Classification: Uncertain significance. Last evaluated: 2025-09-08. Review status: criteria provided, single submitter. Criteria: GeneDx Variant Classification Process June 2021. Collection method: clinical testing. Allele origin: germline. Affected: yes.
Comment: In silico analysis supports that this missense variant has a deleterious effect on protein structure/function; Has not been previously published as pathogenic or benign to our knowledge

Labcorp Genetics (formerly Invitae), Labcorp
Classification: Likely benign for Generalized epilepsy-paroxysmal dyskinesia syndrome. Last evaluated: 2025-09-02. Review status: criteria provided, single submitter. Criteria: Invitae Variant Classification Sherloc (09022015). Collection method: clinical testing. Allele origin: germline.